The following is an entry in ClinVar:

NM_001005361.3(DNM2):c.1852G>A (p.Ala618Thr)

Gene: DNM2 (dynamin 2; plus strand). Cytogenetic location: 19p13.2.
Variant type: single nucleotide variant.
Coding change: c.1852G>A on transcript NM_001005361.3 (MANE Select); coding-DNA position 1852, G replaced by A.
Protein change: p.Ala618Thr; replaces alanine 618 with threonine.
Molecular consequence: missense variant.
Genome position (GRCh38, 1-based): chr19:10,823,858, G>A. VCF-style: chr19-10823858-G-A. GRCh37 (hg19) VCF-style: chr19-10934534-G-A.
Other names: NM_001005361.3(DNM2):c.1852G>A; p.Ala618Thr; c.1852G>A, p.Ala618Thr (NM_001005360.3, NM_001190716.2); c.1840G>A, p.Ala614Thr (NM_001005362.3, NM_004945.4); c.1852G>A (NM_001005361.2); short protein forms A618T, A614T.
Identifiers: ClinVar variation 449326 (VCV000449326.22), dbSNP rs773598203, ClinGen allele CA404041079.

ClinVar aggregate classification (germline): Pathogenic. Review status: reviewed by expert panel (3 of 4 stars). 8 submissions from 8 submitters: Pathogenic (1). 7 of the submissions do not count toward it. Last evaluated 2024-08-07.

Conditions:
Centronuclear myopathy (CNM). Also called: Centronuclear myopathy, congenital; Myotubular myopathy. Identifiers: Orphanet 595, MedGen C0175709, MONDO:0018947. Inheritance: All.
Charcot-Marie-Tooth disease dominant intermediate B (CMTDIB). Also called: CHARCOT-MARIE-TOOTH NEUROPATHY, DOMINANT INTERMEDIATE B; Charcot-Marie-Tooth disease dominant intermediate 1; CMT DI1; Charcot-Marie-Tooth disease dominant intermediate I. Identifiers: Orphanet 100044, Orphanet 228179, MedGen C1847902, MONDO:0011674, OMIM 606482.
Autosomal dominant centronuclear myopathy. Also called: Myopathy, centronuclear, 3; MYOTUBULAR MYOPATHY, AUTOSOMAL DOMINANT. Identifiers: Orphanet 169189, MedGen C4551952, MeSH D020914, MONDO:0008048, OMIM 160150.

Submissions (8):

ClinGen Congenital Myopathies Variant Curation Expert Panel, ClinGen
Classification: Pathogenic for Centronuclear myopathy. Last evaluated: 2024-08-07. Review status: reviewed by expert panel. Criteria: ClinGen CongenMyopathy ACMG Specifications DNM2 V1.0.0. Collection method: curation. Allele origin: germline. Inheritance: Autosomal dominant inheritance.
Comment: The c.1852G>A (p.Ala618Thr) variant in DNM2 is a missense variant predicted to cause substitution of Alanine by Threonine at amino acid 618. This variant is absent from gnomAD v4.1 (PM2_Supporting). The computational predictor REVEL gives a score of 0.818, which is above the threshold of 0.7, evidence that correlates with impact to DNM2 function (PP3). DNM2, in which the variant was identified, is defined by the ClinGen Congenital Myopathies VCEP as a gene that has a low rate of benign missense variation and where pathogenic missense variants are a common mechanism of disease (PP2). This variant has been reported in four probands with features of centronuclear myopathy, two of which were de novo with parental relationships confirmed (PS4, PS2; PMIDs:17932957, 28357410, 34463354, 32154989). In vitro assays showed an increase in GTPase activity and oligomer stability indicating that this variant impacts protein function (PMIDs: 26199319, 20700106, 34744632)(PS3_Moderate). In summary, this variant meets the criteria to be classified as pathogenic for autosomal dominant centronuclear myopathy based on the ACMG/AMP criteria applied, as specified by the ClinGen Congenital Myopathies VCEP: PS4, PS2, PS3_Moderate, PM2_Supporting, PP2, PP3 (ClinGen Congenital Myopathies VCEP specifications version 1; 8/7/2024).

Department of Molecular Genetics, Istishari Arab Hospital
Classification: Pathogenic for Autosomal dominant centronuclear myopathy. Last evaluated: 2026-08-27. Review status: criteria provided, single submitter. Criteria: ACMG Guidelines, 2015. Collection method: clinical testing. Allele origin: germline. Inheritance: Autosomal dominant inheritance. Affected: yes. Not counted in ClinVar's aggregate classification.
Comment: The DNM2 variant c.1852G>A, p.Ala618Thr creates an amino acid change from Ala to Thr at codon 618 in exon 17 (out of 21 exons). The variant is not observed in the gnomAD v4.1.0 dataset. The variant has been reported as disease-causing for Centronuclear myopathy-1 in multiple unrelated affected individuals, including several confirmed de novo occurrences (PMID: 17932957, 28357410, 32154989, 34463354). ClinVar lists this variant with interpretation (Pathogenic, Variation ID: 449326). It is classified as pathogenic according to the recommendations of ACMG/AMP/ClinGen SVI guidelines.

CeGaT Center for Human Genetics Tuebingen
Classification: Pathogenic. Last evaluated: 2025-12-01. Review status: criteria provided, single submitter. Criteria: CeGaT Center For Human Genetics Tuebingen Variant Classification Criteria Version 2. Collection method: clinical testing. Allele origin: germline. Affected: yes. Observed: 1 variant allele. Not counted in ClinVar's aggregate classification.
Comment: DNM2: PM1, PM2, PM5, PS4:Moderate, PM6:Supporting, PP3, PS3:Supporting

Labcorp Genetics (formerly Invitae), Labcorp
Classification: Pathogenic for Charcot-Marie-Tooth disease dominant intermediate B. Last evaluated: 2025-07-09. Review status: criteria provided, single submitter. Criteria: Invitae Variant Classification Sherloc (09022015). Collection method: clinical testing. Allele origin: germline. Not counted in ClinVar's aggregate classification.
Comment: This sequence change replaces alanine, which is neutral and non-polar, with threonine, which is neutral and polar, at codon 618 of the DNM2 protein (p.Ala618Thr). This variant is not present in population databases (gnomAD no frequency). This missense change has been observed in individual(s) with DNM2-related conditions (PMID: 17932957, 28357410). In at least one individual the variant was observed to be de novo. This variant is also known as c.1840G>A (p.Ala614Thr). ClinVar contains an entry for this variant (Variation ID: 449326). Invitae Evidence Modeling of protein sequence and biophysical properties (such as structural, functional, and spatial information, amino acid conservation, physicochemical variation, residue mobility, and thermodynamic stability) has been performed for this missense variant. However, the output from this modeling did not meet the statistical confidence thresholds required to predict the impact of this variant on DNM2 protein function. Experimental studies have shown that this missense change affects DNM2 function (PMID: 20529869, 20700106, 26199319). This variant disrupts the p.Ala618 amino acid residue in DNM2. Other variant(s) that disrupt this residue have been determined to be pathogenic (PMID: 19932619; internal data). This suggests that this residue is clinically significant, and that variants that disrupt this residue are likely to be disease-causing. For these reasons, this variant has been classified as Pathogenic.

Victorian Clinical Genetics Services, Murdoch Childrens Research Institute
Classification: Pathogenic for Autosomal dominant centronuclear myopathy. Last evaluated: 2024-10-10. Review status: criteria provided, single submitter. Criteria: ACMG Guidelines, 2015. Collection method: clinical testing. Allele origin: germline. Inheritance: Autosomal dominant inheritance. Affected: yes. Not counted in ClinVar's aggregate classification.
Comment: Based on the classification scheme VCGS_Germline_v1.3.5, this variant is classified as Pathogenic. Following criteria are met: 0101 - Gain of function is a known mechanism of disease in this gene and is associated with centronuclear myopathy (MIM#1160150). Charcot-Marie-Tooth disease, axonal type 2M and dominant intermediate B (MIM#606482) are also associated with this gene; currently the mechanism of disease for these conditions is not established. (I) 0107 - This gene is associated with autosomal dominant disease. DNM2 is generally associated with autosomal dominant disease, however recessive inheritance of a hypomorphic allele has been reported in a family where homozygote missense offspring displayed a severe lethal neonatal phenotype, and the carrier parents presented with a mild form of myopathy (OMIM). (I) 0115 - Variants in this gene are known to have variable expressivity. Interfamilial and intrafamilial variability has been reported (PMID: 22396310). (I) 0200 - Variant is predicted to result in a missense amino acid change from alanine to threonine. (I) 0251 - This variant is heterozygous. (I) 0301 - Variant is absent from gnomAD (v2, v3 and v4). (SP) 0309 - An alternative amino acid change at the same position has been observed in gnomAD (v4: 7 heterozygotes, 0 homozygotes). (I) 0502 - Missense variant with conflicting in silico predictions and high conservation. (I) 0600 - Variant is located in the annotated PH Domain (DECIPHER). (I) 0801 - This variant has strong previous evidence of pathogenicity in unrelated individuals. This variant has been reported three times as pathogenic in ClinVar by clinical laboratories. This variant has been reported in families and individuals with centronuclear myopathy (PMIDs: 22396310, 17932957, 20227276). (SP) 1002 - This variant has moderate functional evidence supporting abnormal protein function. Transfected C25 myoblasts with the p.(Ala218Thr) variant displayed markedly reduced exocytosis and altered fusion pore dynamics. This is consistent with previous findings in well-known CNM-associated pathogenic variants which impair GLUT-4 insertion into myoblast plasmalemma (PMID: 36142275). (SP) Legend: (SP) - Supporting pathogenic, (I) - Information, (SB) - Supporting benign

Revvity Omics, Revvity
Classification: Pathogenic. Last evaluated: 2022-08-04. Review status: criteria provided, single submitter. Criteria: ACMG Guidelines, 2015. Collection method: clinical testing. Allele origin: germline. Not counted in ClinVar's aggregate classification.

GeneDx
Classification: Pathogenic. Last evaluated: 2018-05-18. Review status: criteria provided, single submitter. Criteria: GeneDx Variant Classification (06012015). Collection method: clinical testing. Allele origin: germline. Affected: yes. Not counted in ClinVar's aggregate classification.
Comment: The A618T pathogenic variant has been previously reported in patients with centronuclear myopathy (Bitoun et al., 2007; Susman et al., 2010). Functional studies demonstrate A618T is a gain-of-function variant which leads to T-tubule fragmentation (Chin et al., 2015). The A618T variant is not observed in large population cohorts (Lek et al., 2016; 1000 Genomes Consortium et al., 2015; Exome Variant Server). The A618T variant is a non-conservative amino acid substitution, which is likely to impact secondary protein structure as these residues differ in polarity, charge, size and/or other properties. Additionally, this substitution occurs at a position that is conserved across species, and missense variants in the same residue (A618D) and in nearby residues (D614N; S619L/W; L621P) have been reported in the Human Gene Mutation Database in association with centronuclear myopathy (Stenson et al., 2014), supporting the functional importance of this region of the protein. In silico analysis predicts this variant is probably damaging to the protein structure/function. Therefore, we interpret A618T as a pathogenic variant, and it's presence is consistent with a diagnosis of a DNM2-related disorder.

Inherited Neuropathy Consortium Ii, University Of Miami
Classification: Uncertain significance for Charcot-Marie-Tooth disease dominant intermediate B. Last evaluated: 2016-01-06. Review status: no assertion criteria provided. Collection method: literature only. Allele origin: germline. Affected: yes. Not counted in ClinVar's aggregate classification.

Literature cited by the submitters: PubMed 17932957 (cited by 4 submitters); PubMed 28357410 (cited by Department of Molecular Genetics, Istishari Arab Hospital and Labcorp Genetics (formerly Invitae), Labcorp); PubMed 32154989 (cited by Department of Molecular Genetics, Istishari Arab Hospital); PubMed 34463354 (cited by Department of Molecular Genetics, Istishari Arab Hospital); PubMed 20529869 (cited by Labcorp Genetics (formerly Invitae), Labcorp); PubMed 20700106 (cited by Labcorp Genetics (formerly Invitae), Labcorp); PubMed 26199319 (cited by Labcorp Genetics (formerly Invitae), Labcorp); PubMed 19932619 (cited by Labcorp Genetics (formerly Invitae), Labcorp); PubMed 20227276 (cited by Victorian Clinical Genetics Services, Murdoch Childrens Research Institute); PubMed 22396310 (cited by Victorian Clinical Genetics Services, Murdoch Childrens Research Institute); PubMed 36142275 (cited by Victorian Clinical Genetics Services, Murdoch Childrens Research Institute).